The following is an entry in ClinVar:

ClinVar aggregate classification (germline): Likely pathogenic (1 of 4 stars; one submission).

Conditions:
Emery-Dreifuss muscular dystrophy 5, autosomal dominant (EDMD5). Also called: EMERY-DREIFUSS MUSCULAR DYSTROPHY 5. Identifiers: Orphanet 261, MedGen C2751805, MONDO:0013072, OMIM 612999.

Submission:

Human Genetics Bochum, Ruhr University Bochum
Classification: Likely pathogenic for Emery-Dreifuss muscular dystrophy 5, autosomal dominant. Last evaluated: 2025-09-26. Review status: criteria provided, single submitter. Criteria: ACMG Guidelines, 2015. Collection method: clinical testing. Allele origin: germline. Affected: yes.
Comment: ACMG criteria used to clasify this variant: PVS1, PM2_SUP

NM_182914.3(SYNE2):c.4085dup (p.Asn1362fs)

Gene: SYNE2 (spectrin repeat containing nuclear envelope protein 2; plus strand). Cytogenetic location: 14q23.2.
Variant type: Duplication.
Coding change: c.4085dup on transcript NM_182914.3 (MANE Select); coding-DNA position 4085, one base duplicated (A; older notation c.4085dupA).
Protein change: p.Asn1362fs; shifts the reading frame from asparagine 1362.
Molecular consequence: frameshift variant.
Genome position (GRCh38, 1-based): chr14:64,003,018, A duplicated; the last of 6 consecutive A bases (chr14:64,003,013-64,003,018); duplicating any one gives the same sequence. VCF-style (leftmost placement, unchanged base first): chr14-64003012-T-TA. GRCh37 (hg19) VCF-style: chr14-64469730-T-TA.
Other names: c.4085dup, p.Asn1362fs (NM_015180.6); short protein forms N1362fs.
Identifiers: ClinVar variation 4687961 (VCV004687961.1).
Genomic context (GRCh38, chr14:64,003,012, plus strand): 5'-AGCCCGTTACAGACCTTTCAGCCTCAGATACACAGGTGGCACAAGAAAATACGTTGACAG[T>TA]AAAAAATAAAGAGGGAGAAATTCATCTGATGAAAGACAAGGCCAAACATTTGGATAAATG-3'